The following is an entry in ClinVar:

ClinVar aggregate classification (germline): Uncertain significance (1 of 4 stars; one submission).

Allele frequency attached by ClinVar (database versions not stated): gnomAD exomes below 0.00001.
gnomAD v4.1: 1 of 1,578,830 alleles (0.000063%); highest among the groups gnomAD compares: Non-Finnish European, 0.000086%; no homozygotes.

Submission:

Labcorp Genetics (formerly Invitae), Labcorp
Classification: Uncertain significance. Last evaluated: 2022-02-01. Review status: criteria provided, single submitter. Criteria: Invitae Variant Classification Sherloc (09022015). Collection method: clinical testing. Allele origin: germline.
Comment: This sequence change replaces leucine, which is neutral and non-polar, with phenylalanine, which is neutral and non-polar, at codon 161 of the TPRKB protein (p.Leu161Phe). In summary, the available evidence is currently insufficient to determine the role of this variant in disease. Therefore, it has been classified as a Variant of Uncertain Significance. Algorithms developed to predict the effect of missense changes on protein structure and function are either unavailable or do not agree on the potential impact of this missense change (SIFT: "Tolerated"; PolyPhen-2: "Probably Damaging"; Align-GVGD: "Class C0"). This variant has not been reported in the literature in individuals affected with TPRKB-related conditions. This variant is not present in population databases (gnomAD no frequency).

NM_016058.5(TPRKB):c.483A>T (p.Leu161Phe)

Gene: TPRKB (TP53RK binding protein; minus strand). Cytogenetic location: 2p13.1.
Variant type: single nucleotide variant.
Coding change: c.483A>T on transcript NM_016058.5 (MANE Select); coding-DNA position 483, A replaced by T.
Protein change: p.Leu161Phe; replaces leucine 161 with phenylalanine.
Molecular consequence: missense variant.
Genome position (GRCh38, 1-based): chr2:73,729,988, T>A on the plus strand (A>T on the coding strand, the complement: TPRKB is on the minus strand). VCF-style: chr2-73729988-T-A. GRCh37 (hg19) VCF-style: chr2-73957115-T-A.
Other names: c.600A>T, p.Leu200Phe (NM_001330386.2, NM_001330387.2); c.483A>T, p.Leu161Phe (NM_001330388.2, NM_001330389.2); c.429A>T, p.Leu143Phe (NM_001330390.2); c.384A>T, p.Leu128Phe (NM_001330391.2, NM_001330392.2); short protein forms L200F, L128F, L143F, L161F.
Identifiers: ClinVar variation 1929071 (VCV001929071.5), dbSNP rs2466035832, ClinGen allele CA347268528.
Genomic context (GRCh38, chr2:73,729,988, plus strand): 5'-AATATTTCTGACATTTCATAAAACATCTTTTGTTGACATTCTACAAATGATAGCATCCAA[T>A]AATGTCCCAATACTTTCTTCTTGTGAAGAGAGTTTATATATCTGTAAAAATGAAAGACAA-3'
Protein context (NP_057142.1, residues 151-171): LSSQEESIGT[Leu161Phe]LDAIICRMST